The following is an entry in ClinVar:

NM_003620.4(PPM1D):c.1386dup (p.Gly463fs)

Gene: PPM1D (protein phosphatase, Mg2+/Mn2+ dependent 1D; plus strand). Cytogenetic location: 17q23.2.
Variant type: Duplication.
Coding change: c.1386dup on transcript NM_003620.4 (MANE Select); coding-DNA position 1386, one base duplicated (A; older notation c.1386dupA).
Protein change: p.Gly463fs; shifts the reading frame from glycine 463.
Molecular consequence: frameshift variant.
Genome position (GRCh38, 1-based): chr17:60,663,120, A duplicated; the last of 2 consecutive A bases (chr17:60,663,119-60,663,120); duplicating either gives the same sequence. VCF-style (leftmost placement, unchanged base first): chr17-60663118-C-CA. GRCh37 (hg19) VCF-style: chr17-58740479-C-CA.
Other names: short protein forms G463fs.
Identifiers: ClinVar variation 3777116 (VCV003777116.1).

ClinVar aggregate classification (germline): Uncertain significance (1 of 4 stars; one submission).

Conditions:
Intellectual developmental disorder with gastrointestinal difficulties and high pain threshold (JDVS). Also called: JANSEN-DE VRIES SYNDROME. Identifiers: Orphanet 653767, MedGen C4479517, MONDO:0044318, OMIM 617450.

Submission:

University of Washington Department of Laboratory Medicine, University of Washington
Classification: Uncertain significance for Intellectual developmental disorder with gastrointestinal difficulties and high pain threshold. Last evaluated: 2022-11-02. Review status: criteria provided, single submitter. Criteria: ACMG Guidelines, 2015. Collection method: clinical testing. Allele origin: maternal. Affected: yes.
Comment: The p.Gly463fsArgfs*13 variant in the PPM1D gene has not been previously reported in association with disease. This variant was absent from large population databases, including the Genome Aggregation Database. The p.Gly463fsArgfs*13 variant leads to a premature termination in the last exon of PPM1D. Premature termination at this location is not predicted to undergo nonsense-mediated decay, increasing the likelihood a truncated protein is made. These predictions have not been tested directly. Truncating variants in the last or penultimate exons of the PPM1D gene have been previously described in affected individuals. Using ACMG guidelines, this variant was classified as a variant of uncertain significance; however, there is suspicion that this variant could be associated with Jansen de Vries syndrome (ACMG evidence codes used: PVS1_strong, PM2_supporting).